The following is an entry in ClinVar:

ClinVar aggregate classification (germline): Uncertain significance (1 of 4 stars; one submission).

Conditions:
Nephrolithiasis/nephrocalcinosis. Identifiers: MedGen CN580796.

Submission:

Ambry Genetics
Classification: Uncertain significance for Nephrolithiasis/nephrocalcinosis. Last evaluated: 2023-09-12. Review status: criteria provided, single submitter. Criteria: Ambry Variant Classification Scheme 2023. Collection method: clinical testing. Allele origin: germline.
Comment: The p.T745I variant (also known as c.2234C>T), located in coding exon 6 of the CASR gene, results from a C to T substitution at nucleotide position 2234. The threonine at codon 745 is replaced by isoleucine, an amino acid with similar properties. This amino acid position is conserved. In addition, the in silico prediction for this alteration is inconclusive. Since supporting evidence is limited at this time, the clinical significance of this alteration remains unclear.

NM_000388.4(CASR):c.2234C>T (p.Thr745Ile)

Gene: CASR (calcium sensing receptor; plus strand). Cytogenetic location: 3q21.1.
Variant type: single nucleotide variant.
Coding change: c.2234C>T on transcript NM_000388.4 (MANE Select); coding-DNA position 2234, C replaced by T.
Protein change: p.Thr745Ile; replaces threonine 745 with isoleucine.
Molecular consequence: missense variant.
Genome position (GRCh38, 1-based): chr3:122,284,188, C>T. VCF-style: chr3-122284188-C-T. GRCh37 (hg19) VCF-style: chr3-122003035-C-T.
Other names: c.2264C>T, p.Thr755Ile (NM_001178065.2); short protein forms T745I, T755I.
Identifiers: ClinVar variation 3231532 (VCV003231532.1), dbSNP rs2473278778, ClinGen allele CA354159153.
Genomic context (GRCh38, chr3:122,284,188, plus strand): 5'-TCCTGCTGGTTTTCCTCTGCACCTTCATGCAGATTGTCATCTGTGTGATCTGGCTCTACA[C>T]CGCGCCCCCGTCAAGCTACCGCAACCAGGAGCTGGAGGATGAGATCATCTTCATCACGTG-3'
Protein context (NP_000379.3, residues 735-755): QIVICVIWLY[Thr745Ile]APPSSYRNQE